The following is an entry in ClinVar:

ClinVar aggregate classification (germline): Uncertain significance. Review status: criteria provided, multiple submitters, no conflicts (2 of 4 stars). 5 submissions from 5 submitters: Uncertain significance (4). 1 of the submissions does not count toward it. Last evaluated 2025-11-12.

Conditions:
Renal tubular acidosis with progressive nerve deafness. Also called: renal tubular acidosis, distal, 2, with progressive sensorineural hearing loss; Distal Renal Tubular Acidosis with Progressive Sensorineural Deafness; RENAL TUBULAR ACIDOSIS, AUTOSOMAL RECESSIVE, WITH PROGRESSIVE NERVE DEAFNESS; RTA WITH PROGRESSIVE NERVE DEAFNESS. Identifiers: MedGen C0403554, MONDO:0009968, OMIM 267300.

Allele frequency attached by ClinVar (database versions not stated): gnomAD exomes 0.00001 and 0.00002; ExAC 0.00003; ESP Exome Variant Server 0.00008; TOPMed 0.00009; gnomAD 0.00011 and 0.00012; 1000 Genomes Project 0.00040; 1000 Genomes Project 30x 0.00047.
gnomAD v4.1: 26 of 1,614,040 alleles (0.0016%); highest among the groups gnomAD compares: African/African-American, 0.033%; no homozygotes.

Submissions (5):

GeneDx
Classification: Uncertain significance. Last evaluated: 2025-11-12. Review status: criteria provided, single submitter. Criteria: GeneDx Variant Classification Process June 2021. Collection method: clinical testing. Allele origin: germline. Affected: yes.
Comment: In silico analysis supports that this missense variant has a deleterious effect on protein structure/function; Has not been previously published as pathogenic or benign to our knowledge

Blueprint Genetics
Classification: Uncertain significance. Last evaluated: 2024-03-26. Review status: criteria provided, single submitter. Criteria: ACMG Guidelines, 2015. Collection method: clinical testing. Allele origin: germline.

Fulgent Genetics
Classification: Uncertain significance for Renal tubular acidosis with progressive nerve deafness. Last evaluated: 2024-01-20. Review status: criteria provided, single submitter. Criteria: ACMG Guidelines, 2015. Collection method: clinical testing. Allele origin: germline.

Laboratory for Molecular Medicine, Mass General Brigham Personalized Medicine
Classification: Uncertain significance. Last evaluated: 2015-08-11. Review status: criteria provided, single submitter. Criteria: LMM Criteria. Collection method: clinical testing. Allele origin: germline. Observed: 1 variant allele.
Comment: The p.Met429Ile variant in ATP6V1B1 has not been previously reported in individu als with hearing loss, but has been identified in 4/10332 African chromosomes by the Exome Aggregation Consortium (ExAC; dbSNP r s368854893). Computational prediction tools and conservation analysis do not pro vide strong support for or against an impact to the protein. In summary, the cli nical significance of the p.Met429Ile variant is uncertain.

Natera, Inc.
Classification: Uncertain significance for Renal tubular acidosis with progressive nerve deafness. Last evaluated: 2019-10-28. Review status: no assertion criteria provided. Collection method: clinical testing. Allele origin: germline. Not counted in ClinVar's aggregate classification.

NM_001692.4(ATP6V1B1):c.1287G>A (p.Met429Ile)

Gene: ATP6V1B1 (ATPase H+ transporting V1 subunit B1; plus strand). Cytogenetic location: 2p13.3.
Variant type: single nucleotide variant.
Coding change: c.1287G>A on transcript NM_001692.4 (MANE Select); coding-DNA position 1287, G replaced by A.
Protein change: p.Met429Ile; replaces methionine 429 with isoleucine.
Molecular consequence: missense variant.
Genome position (GRCh38, 1-based): chr2:70,964,774, G>A. VCF-style: chr2-70964774-G-A. GRCh37 (hg19) VCF-style: chr2-71191904-G-A.
Other names: short protein forms M429I.
Identifiers: ClinVar variation 228444 (VCV000228444.12), dbSNP rs368854893, ClinGen allele CA1701328.